The following is an entry in ClinVar:

NM_024105.4(ALG12):c.1346G>A (p.Arg449Gln)

Gene: ALG12 (ALG12 alpha-1,6-mannosyltransferase; minus strand). Cytogenetic location: 22q13.33.
Variant type: single nucleotide variant.
Coding change: c.1346G>A on transcript NM_024105.4 (MANE Select); coding-DNA position 1346, G replaced by A.
Protein change: p.Arg449Gln; replaces arginine 449 with glutamine.
Molecular consequence: missense variant.
Genome position (GRCh38, 1-based): chr22:49,903,959, C>T on the plus strand (G>A on the coding strand, the complement: ALG12 is on the minus strand). VCF-style: chr22-49903959-C-T. GRCh37 (hg19) VCF-style: chr22-50297607-C-T.
Other names: short protein forms R449Q.
Identifiers: ClinVar variation 900013 (VCV000900013.7), dbSNP rs148062469, ClinGen allele CA10300237.
Genomic context (GRCh38, chr22:49,903,959, plus strand): 5'-GGGGGCAGTTGGGTCAGGTTCAGACTCACACCTGTGGTCCCCACGACGCTGGCCAGGACC[C>T]GGTGTGTGTCCCTGTAGAGGGCCAGGAGCCCAGGGGCCGCCTCCATGAGGATGTGTGTGT-3'
Protein context (NP_077010.1, residues 439-459): GLLALYRDTH[Arg449Gln]VLASVVGTTG

ClinVar aggregate classification (germline): Uncertain significance. Review status: criteria provided, multiple submitters, no conflicts (2 of 4 stars). 3 submissions from 3 submitters: Uncertain significance (3). Last evaluated 2024-02-28.

Conditions:
Inborn genetic diseases. Identifiers: MedGen C0950123, MeSH D030342.
ALG12-congenital disorder of glycosylation (CDG1G). Also called: CDG Ig; Congenital disorder of glycosylation, type Ig; ALG12-CDG. Identifiers: Orphanet 79324, MedGen C2931001, MONDO:0011783, OMIM 607143.

Allele frequency attached by ClinVar (database versions not stated): gnomAD exomes 0.00002 and 0.00005; ExAC 0.00005; gnomAD 0.00006; TOPMed 0.00009; 1000 Genomes Project 30x 0.00016; 1000 Genomes Project 0.00020; ESP Exome Variant Server 0.00023.

Submissions (3):

Ambry Genetics
Classification: Uncertain significance for Inborn genetic diseases. Last evaluated: 2024-02-28. Review status: criteria provided, single submitter. Criteria: Ambry Variant Classification Scheme 2023. Collection method: clinical testing. Allele origin: germline.

Labcorp Genetics (formerly Invitae), Labcorp
Classification: Uncertain significance for ALG12-congenital disorder of glycosylation. Last evaluated: 2022-10-07. Review status: criteria provided, single submitter. Criteria: Invitae Variant Classification Sherloc (09022015). Collection method: clinical testing. Allele origin: germline.
Comment: This sequence change replaces arginine, which is basic and polar, with glutamine, which is neutral and polar, at codon 449 of the ALG12 protein (p.Arg449Gln). This variant is present in population databases (rs148062469, gnomAD 0.02%). This variant has not been reported in the literature in individuals affected with ALG12-related conditions. ClinVar contains an entry for this variant (Variation ID: 900013). Algorithms developed to predict the effect of missense changes on protein structure and function output the following: SIFT: "Tolerated"; PolyPhen-2: "Benign"; Align-GVGD: "Class C0". The glutamine amino acid residue is found in multiple mammalian species, which suggests that this missense change does not adversely affect protein function. In summary, the available evidence is currently insufficient to determine the role of this variant in disease. Therefore, it has been classified as a Variant of Uncertain Significance.

Illumina Laboratory Services, Illumina
Classification: Uncertain significance for ALG12-congenital disorder of glycosylation. Last evaluated: 2018-01-13. Review status: criteria provided, single submitter. Criteria: ICSL Variant Classification Criteria 13 December 2019. Collection method: clinical testing. Allele origin: germline.